The following is an entry in ClinVar:

NM_000400.4(ERCC2):c.854A>C (p.Tyr285Ser)

Gene: ERCC2 (ERCC excision repair 2, TFIIH core complex helicase subunit; minus strand). Cytogenetic location: 19q13.32.
Variant type: single nucleotide variant.
Coding change: c.854A>C on transcript NM_000400.4 (MANE Select); coding-DNA position 854, A replaced by C.
Protein change: p.Tyr285Ser; replaces tyrosine 285 with serine.
Molecular consequence: missense variant.
Genome position (GRCh38, 1-based): chr19:45,364,081, T>G on the plus strand (A>C on the coding strand, the complement: ERCC2 is on the minus strand). VCF-style: chr19-45364081-T-G. GRCh37 (hg19) VCF-style: chr19-45867339-T-G.
Other names: c.782A>C, p.Tyr261Ser (NM_001130867.2); short protein forms Y261S, Y285S.
Identifiers: ClinVar variation 3231717 (VCV003231717.1), dbSNP rs2514030040, ClinGen allele CA406373693.

ClinVar aggregate classification (germline): Uncertain significance (1 of 4 stars; one submission).

Conditions:
Inborn genetic diseases. Identifiers: MedGen C0950123, MeSH D030342.

Allele frequency attached by ClinVar (database versions not stated): gnomAD exomes below 0.00001.
gnomAD v4.1: 1 of 1,598,538 alleles (0.000063%); highest among the groups gnomAD compares: Non-Finnish European, 0.000085%; no homozygotes.

Submission:

Ambry Genetics
Classification: Uncertain significance for Inborn genetic diseases. Last evaluated: 2023-12-10. Review status: criteria provided, single submitter. Criteria: Ambry Variant Classification Scheme 2023. Collection method: clinical testing. Allele origin: germline.
Comment: The p.Y285S variant (also known as c.854A>C), located in coding exon 10 of the ERCC2 gene, results from an A to C substitution at nucleotide position 854. The tyrosine at codon 285 is replaced by serine, an amino acid with dissimilar properties. This amino acid position is conserved. In addition, this alteration is predicted to be deleterious by in silico analysis. Since supporting evidence is limited at this time, the clinical significance of this alteration remains unclear.